The following is an entry in ClinVar:

ClinVar aggregate classification (germline): Uncertain significance (1 of 4 stars; one submission).

gnomAD v4.1: 1 of 1,613,490 alleles (0.000062%); highest among the groups gnomAD compares: Non-Finnish European, 0.000085%; no homozygotes.

Submission:

Labcorp Genetics (formerly Invitae), Labcorp
Classification: Uncertain significance. Last evaluated: 2024-06-09. Review status: criteria provided, single submitter. Criteria: Invitae Variant Classification Sherloc (09022015). Collection method: clinical testing. Allele origin: germline.
Comment: This sequence change replaces serine, which is neutral and polar, with cysteine, which is neutral and slightly polar, at codon 166 of the RFWD3 protein (p.Ser166Cys). This variant is not present in population databases (gnomAD no frequency). This variant has not been reported in the literature in individuals affected with RFWD3-related conditions. An algorithm developed to predict the effect of missense changes on protein structure and function (PolyPhen-2) suggests that this variant is likely to be disruptive. In summary, the available evidence is currently insufficient to determine the role of this variant in disease. Therefore, it has been classified as a Variant of Uncertain Significance.

NM_018124.4(RFWD3):c.497C>G (p.Ser166Cys)

Gene: RFWD3 (ring finger and WD repeat domain 3; minus strand). Cytogenetic location: 16q23.1.
Variant type: single nucleotide variant.
Coding change: c.497C>G on transcript NM_018124.4 (MANE Select); coding-DNA position 497, C replaced by G.
Protein change: p.Ser166Cys; replaces serine 166 with cysteine.
Molecular consequence: missense variant. On other transcripts: 5 prime UTR variant (4), intron variant (1).
Genome position (GRCh38, 1-based): chr16:74,660,953, G>C on the plus strand (C>G on the coding strand, the complement: RFWD3 is on the minus strand). VCF-style: chr16-74660953-G-C. GRCh37 (hg19) VCF-style: chr16-74694851-G-C.
Other names: c.497C>G, p.Ser166Cys (NM_001370534.1, NM_001370535.1, NM_001370536.1); c.-512C>G (NM_001370537.1); c.-135C>G (NM_001370539.1); c.-389C>G (NM_001370542.1); c.-267C>G (NM_001370543.1); c.-317+3671C>G (NM_001370540.1); short protein forms S166C.
Identifiers: ClinVar variation 3656044 (VCV003656044.2).